The following is an entry in ClinVar:

ClinVar aggregate classification (germline): Uncertain significance (1 of 4 stars; one submission).

Conditions:
Autosomal dominant nocturnal frontal lobe epilepsy 5. Also called: Epilepsy, nocturnal frontal lobe, 5; KCNT1-Related Epilepsy; CILIARY DYSKINESIA, PRIMARY, 28, WITHOUT SITUS INVERSUS; CILIARY DYSKINESIA, PRIMARY, 28, WITH SITUS INVERSUS. Identifiers: Orphanet 98784, MedGen C3554306, MONDO:0014002, OMIM 615005.
Developmental and epileptic encephalopathy, 14 (DEE14). Also called: Early infantile epileptic encephalopathy 14. Identifiers: Orphanet 293181, MedGen C3554195, MONDO:0013989, OMIM 614959.

Submission:

Labcorp Genetics (formerly Invitae), Labcorp
Classification: Uncertain significance for Autosomal dominant nocturnal frontal lobe epilepsy 5; Developmental and epileptic encephalopathy, 14. Last evaluated: 2023-11-02. Review status: criteria provided, single submitter. Criteria: Invitae Variant Classification Sherloc (09022015). Collection method: clinical testing. Allele origin: germline.
Comment: This sequence change replaces serine, which is neutral and polar, with threonine, which is neutral and polar, at codon 537 of the KCNT1 protein (p.Ser537Thr). This variant is not present in population databases (gnomAD no frequency). This variant has not been reported in the literature in individuals affected with KCNT1-related conditions. Advanced modeling of protein sequence and biophysical properties (such as structural, functional, and spatial information, amino acid conservation, physicochemical variation, residue mobility, and thermodynamic stability) has been performed at Invitae for this missense variant, however the output from this modeling did not meet the statistical confidence thresholds required to predict the impact of this variant on KCNT1 protein function. In summary, the available evidence is currently insufficient to determine the role of this variant in disease. Therefore, it has been classified as a Variant of Uncertain Significance.

NM_020822.3(KCNT1):c.1609T>A (p.Ser537Thr)

Gene: KCNT1 (potassium sodium-activated channel subfamily T member 1; plus strand). Cytogenetic location: 9q34.3.
Variant type: single nucleotide variant.
Coding change: c.1609T>A on transcript NM_020822.3 (MANE Select); coding-DNA position 1609, T replaced by A.
Protein change: p.Ser537Thr; replaces serine 537 with threonine.
Molecular consequence: missense variant.
Genome position (GRCh38, 1-based): chr9:135,770,045, T>A. VCF-style: chr9-135770045-T-A. GRCh37 (hg19) VCF-style: chr9-138661891-T-A.
Other names: c.1474T>A, p.Ser492Thr (NM_001272003.2); short protein forms S492T, S537T.
Identifiers: ClinVar variation 2953486 (VCV002953486.3), dbSNP rs1832640275, ClinGen allele CA375506036.